The following is an entry in ClinVar:

ClinVar aggregate classification (germline): Uncertain significance (1 of 4 stars; one submission).

Conditions:
Cardiovascular phenotype. Identifiers: MedGen CN230736.

gnomAD v4.1: 3 of 1,606,474 alleles (0.00019%); highest among the groups gnomAD compares: South Asian, 0.0011%; no homozygotes.

Submission:

Ambry Genetics
Classification: Uncertain significance for Cardiovascular phenotype. Last evaluated: 2024-09-10. Review status: criteria provided, single submitter. Criteria: Ambry Variant Classification Scheme 2023. Collection method: clinical testing. Allele origin: germline.
Comment: The p.W98* variant (also known as c.294G>A), located in coding exon 4 of the RYR2 gene, results from a G to A substitution at nucleotide position 294. This changes the amino acid from a tryptophan to a stop codon within coding exon 4. This variant has been detected in an individual with features consistent with dilated cardiomyopathy (Costa S et al. Cardiol J, 2021 Aug;28:173-175). This alteration is expected to result in protein truncation or nonsense-mediated mRNA decay. However, loss of function of RYR2 has not been established as a mechanism of disease. Based on the available evidence, the clinical significance of this alteration remains unclear.

Literature cited by the submitters: PubMed 32748945.

NM_001035.3(RYR2):c.294G>A (p.Trp98Ter)

Gene: RYR2 (ryanodine receptor 2; plus strand). Cytogenetic location: 1q43.
Variant type: single nucleotide variant.
Coding change: c.294G>A on transcript NM_001035.3 (MANE Select); coding-DNA position 294, G replaced by A.
Protein change: p.Trp98Ter; replaces tryptophan 98 with a stop codon.
Molecular consequence: nonsense.
Genome position (GRCh38, 1-based): chr1:237,355,985, G>A. VCF-style: chr1-237355985-G-A. GRCh37 (hg19) VCF-style: chr1-237519285-G-A.
Other names: short protein forms W98*.
Identifiers: ClinVar variation 3436575 (VCV003436575.1).